The following is an entry in ClinVar:

NM_020911.2(PLXNA4):c.369G>A (p.Lys123=)

Gene: PLXNA4 (plexin A4; minus strand). Cytogenetic location: 7q32.3.
Variant type: single nucleotide variant.
Coding change: c.369G>A on transcript NM_020911.2 (MANE Select); coding-DNA position 369, G replaced by A.
Protein change: p.Lys123=; no amino-acid change (lysine 123 retained).
Molecular consequence: synonymous variant.
Genome position (GRCh38, 1-based): chr7:132,508,325, C>T on the plus strand (G>A on the coding strand, the complement: PLXNA4 is on the minus strand). VCF-style: chr7-132508325-C-T. GRCh37 (hg19) VCF-style: chr7-132193084-C-T.
Other names: c.369G>A, p.Lys123= (NM_001105543.2, NM_001393897.1, NM_181775.4).
Identifiers: ClinVar variation 3032273 (VCV003032273.2), dbSNP rs759964709, ClinGen allele CA4490504.
Genomic context (GRCh38, chr7:132,508,325, plus strand): 5'-CAGCCTCAGCAGCTTGCAGATGCCTTGGTACAGGCTCCCACAGGCAATCAGCCTGTTCTC[C>T]TTGTAGTCTATGAGGAGCATCTTGTTGACATTGTTGGTGGTGGTCAGGGGCTCATTGCAG-3'
Protein context (NP_065962.1, residues 113-133): NVNKMLLIDY[Lys123=]ENRLIACGSL

ClinVar aggregate classification (germline): Likely benign (0 of 4 stars; one submission).

Conditions:
PLXNA4-related disorder. Also called: PLXNA4-related condition.

Allele frequency attached by ClinVar (database versions not stated): ExAC 0.00001; TOPMed 0.00002; gnomAD 0.00008.
gnomAD v4.1: 30 of 1,614,074 alleles (0.0019%); highest among the groups gnomAD compares: Non-Finnish European, 0.0025%; no homozygotes.

Submission:

PreventionGenetics, part of Exact Sciences
Classification: Likely benign for PLXNA4-related condition. Last evaluated: 2022-10-26. Review status: no assertion criteria provided. Collection method: clinical testing. Allele origin: germline.
Comment: This variant is classified as likely benign based on ACMG/AMP sequence variant interpretation guidelines (Richards et al. 2015 PMID: 25741868, with internal and published modifications).